The following is an entry in ClinVar:

NM_006348.5(COG5):c.2390C>G (p.Ala797Gly)

Gene: COG5 (component of oligomeric golgi complex 5; minus strand). Cytogenetic location: 7q22.3.
Variant type: single nucleotide variant.
Coding change: c.2390C>G on transcript NM_006348.5 (MANE Select); coding-DNA position 2390, C replaced by G.
Protein change: p.Ala797Gly; replaces alanine 797 with glycine.
Molecular consequence: missense variant.
Genome position (GRCh38, 1-based): chr7:107,203,616, G>C on the plus strand (C>G on the coding strand, the complement: COG5 is on the minus strand). VCF-style: chr7-107203616-G-C. GRCh37 (hg19) VCF-style: chr7-106844061-G-C.
Other names: c.2228C>G, p.Ala743Gly (NM_001379511.1); c.2216C>G, p.Ala739Gly (NM_001379512.1); c.2183C>G, p.Ala728Gly (NM_001379513.1); c.2075C>G, p.Ala692Gly (NM_001379514.1); c.1820C>G, p.Ala607Gly (NM_001379515.1); c.1676C>G, p.Ala559Gly (NM_001379516.1); c.2327C>G, p.Ala776Gly (NM_181733.4); short protein forms A607G, A692G, A728G, A559G, A739G, A743G, A776G, A797G.
Identifiers: ClinVar variation 1370464 (VCV001370464.6), dbSNP rs1228532042, ClinGen allele CA368838175.

ClinVar aggregate classification (germline): Uncertain significance (1 of 4 stars; one submission).

Conditions:
COG5-congenital disorder of glycosylation. Also called: CONGENITAL DISORDER OF GLYCOSYLATION, TYPE IIi; CDG IIi; COG5-CDG. Identifiers: Orphanet 263487, MedGen C3150876, MONDO:0013325, OMIM 613612.

Submission:

Labcorp Genetics (formerly Invitae), Labcorp
Classification: Uncertain significance for COG5-congenital disorder of glycosylation. Last evaluated: 2023-07-17. Review status: criteria provided, single submitter. Criteria: Invitae Variant Classification Sherloc (09022015). Collection method: clinical testing. Allele origin: germline.
Comment: An algorithm developed to predict the effect of missense changes on protein structure and function (PolyPhen-2) suggests that this variant is likely to be disruptive. ClinVar contains an entry for this variant (Variation ID: 1370464). This variant has not been reported in the literature in individuals affected with COG5-related conditions. This variant is not present in population databases (gnomAD no frequency). This sequence change replaces alanine, which is neutral and non-polar, with glycine, which is neutral and non-polar, at codon 828 of the COG5 protein (p.Ala828Gly). In summary, the available evidence is currently insufficient to determine the role of this variant in disease. Therefore, it has been classified as a Variant of Uncertain Significance.